The following is an entry in ClinVar:

NM_015602.4(TOR1AIP1):c.661G>A (p.Glu221Lys)

Gene: TOR1AIP1 (torsin 1A interacting protein 1; plus strand). Cytogenetic location: 1q25.2.
Variant type: single nucleotide variant.
Coding change: c.661G>A on transcript NM_015602.4 (MANE Select); coding-DNA position 661, G replaced by A.
Protein change: p.Glu221Lys; replaces glutamic acid 221 with lysine.
Molecular consequence: missense variant.
Genome position (GRCh38, 1-based): chr1:179,901,310, G>A. VCF-style: chr1-179901310-G-A. GRCh37 (hg19) VCF-style: chr1-179870445-G-A.
Other names: p.Glu222Lys; c.664G>A, p.Glu222Lys (NM_001267578.2); short protein forms E221K, E222K.
Identifiers: ClinVar variation 945670 (VCV000945670.29), dbSNP rs377110579, ClinGen allele CA1268912.

ClinVar aggregate classification (germline): Uncertain significance. Review status: criteria provided, multiple submitters, no conflicts (2 of 4 stars). 5 submissions from 5 submitters: Uncertain significance (5). Last evaluated 2025-12-04.

Conditions:
Autosomal recessive limb-girdle muscular dystrophy type 2Y (MRRSDC). Also called: Muscular dystrophy, autosomal recessive, with rigid spine and distal joint contractures; Muscular dystrophy, limb-girdle, type 2y. Identifiers: Orphanet 424261, MedGen C4511482, MONDO:0014900, OMIM 617072.

Allele frequency attached by ClinVar (database versions not stated): gnomAD exomes 0.00005 and 0.00006; TOPMed 0.00006; ExAC 0.00007; gnomAD 0.00007 and 0.00008; ESP Exome Variant Server 0.00008.

Submissions (5):

Mayo Clinic Laboratories, Mayo Clinic
Classification: Uncertain significance. Last evaluated: 2025-12-04. Review status: criteria provided, single submitter. Criteria: ACMG Guidelines, 2015. Collection method: clinical testing. Allele origin: germline. Observed: 1 variant allele.
Comment: BP4

GeneDx
Classification: Uncertain significance. Last evaluated: 2025-06-03. Review status: criteria provided, single submitter. Criteria: GeneDx Variant Classification Process June 2021. Collection method: clinical testing. Allele origin: germline. Affected: yes.
Comment: In silico analysis indicates that this missense variant does not alter protein structure/function; Has not been previously published as pathogenic or benign to our knowledge

Labcorp Genetics (formerly Invitae), Labcorp
Classification: Uncertain significance for Autosomal recessive limb-girdle muscular dystrophy type 2Y. Last evaluated: 2024-10-22. Review status: criteria provided, single submitter. Criteria: Invitae Variant Classification Sherloc (09022015). Collection method: clinical testing. Allele origin: germline.
Comment: This sequence change replaces glutamic acid, which is acidic and polar, with lysine, which is basic and polar, at codon 222 of the TOR1AIP1 protein (p.Glu222Lys). This variant is present in population databases (rs377110579, gnomAD 0.02%). This variant has not been reported in the literature in individuals affected with TOR1AIP1-related conditions. ClinVar contains an entry for this variant (Variation ID: 945670). Invitae Evidence Modeling of protein sequence and biophysical properties (such as structural, functional, and spatial information, amino acid conservation, physicochemical variation, residue mobility, and thermodynamic stability) indicates that this missense variant is not expected to disrupt TOR1AIP1 protein function with a negative predictive value of 80%. In summary, the available evidence is currently insufficient to determine the role of this variant in disease. Therefore, it has been classified as a Variant of Uncertain Significance.

Genome-Nilou Lab
Classification: Uncertain significance for Autosomal recessive limb-girdle muscular dystrophy type 2Y. Last evaluated: 2023-04-11. Review status: criteria provided, single submitter. Criteria: ACMG Guidelines, 2015. Collection method: clinical testing. Allele origin: germline. Affected: no.

CeGaT Center for Human Genetics Tuebingen
Classification: Uncertain significance. Last evaluated: 2023-01-01. Review status: criteria provided, single submitter. Criteria: CeGaT Center For Human Genetics Tuebingen Variant Classification Criteria Version 2. Collection method: clinical testing. Allele origin: germline. Affected: yes. Observed: 1 variant allele.
Comment: TOR1AIP1: PM2, BP1, BP4